The following is an entry in ClinVar:

ClinVar aggregate classification (germline): Uncertain significance. Review status: criteria provided, multiple submitters, no conflicts (2 of 4 stars). 2 submissions from 2 submitters: Uncertain significance (2). Last evaluated 2024-04-25.

Conditions:
Hereditary cancer-predisposing syndrome. Also called: Neoplastic Syndromes, Hereditary; Hereditary Cancer Syndrome; Hereditary neoplastic syndrome; Tumor predisposition. Identifiers: Orphanet 140162, MedGen C0027672, MeSH D009386, MONDO:0015356.

Submissions (2):

GeneDx
Classification: Uncertain significance. Last evaluated: 2024-04-25. Review status: criteria provided, single submitter. Criteria: GeneDx Variant Classification Process June 2021. Collection method: clinical testing. Allele origin: germline. Affected: yes.
Comment: Not observed at significant frequency in large population cohorts (gnomAD); In silico analysis supports that this missense variant has a deleterious effect on protein structure/function; Has not been previously published as pathogenic or benign to our knowledge; Also known as 5795A>C; This variant is associated with the following publications: (PMID: 9002670, 22193408)

Ambry Genetics
Classification: Uncertain significance for Hereditary cancer-predisposing syndrome. Last evaluated: 2023-05-17. Review status: criteria provided, single submitter. Criteria: Ambry Variant Classification Scheme 2023. Collection method: clinical testing. Allele origin: germline.
Comment: The p.H1856P variant (also known as c.5567A>C), located in coding exon 10 of the BRCA2 gene, results from an A to C substitution at nucleotide position 5567. The histidine at codon 1856 is replaced by proline, an amino acid with similar properties. This amino acid position is poorly conserved in available vertebrate species. In addition, the in silico prediction for this alteration is inconclusive. Since supporting evidence is limited at this time, the clinical significance of this alteration remains unclear.

NM_000059.4(BRCA2):c.5567A>C (p.His1856Pro)

Gene: BRCA2 (BRCA2 DNA repair associated; plus strand). Cytogenetic location: 13q13.1.
Variant type: single nucleotide variant.
Coding change: c.5567A>C on transcript NM_000059.4 (MANE Select); coding-DNA position 5567, A replaced by C.
Protein change: p.His1856Pro; replaces histidine 1856 with proline.
Molecular consequence: missense variant. On other transcripts: non-coding transcript variant (1), intron variant (2).
Genome position (GRCh38, 1-based): chr13:32,339,922, A>C. VCF-style: chr13-32339922-A-C. GRCh37 (hg19) VCF-style: chr13-32914059-A-C.
Other names: c.5567A>C, p.His1856Pro (NM_001406719.1, NM_001406720.1); c.1910-4636A>C (NM_001406721.1); c.425-4636A>C (NM_001406722.1); short protein forms H1856P.
Identifiers: ClinVar variation 2566012 (VCV002566012.3), dbSNP rs1566232680, ClinGen allele CA387785986.